The following is an entry in ClinVar:

ClinVar aggregate classification (germline): Uncertain significance (1 of 4 stars; one submission).

Conditions:
Inborn genetic diseases. Identifiers: MedGen C0950123, MeSH D030342.

Submission:

Ambry Genetics
Classification: Uncertain significance for Inborn genetic diseases. Last evaluated: 2024-12-13. Review status: criteria provided, single submitter. Criteria: Ambry Variant Classification Scheme 2023. Collection method: clinical testing. Allele origin: germline.
Comment: The p.M43L variant (also known as c.127A>C), located in coding exon 2 of the ETV6 gene, results from an A to C substitution at nucleotide position 127. The methionine at codon 43 is replaced by leucine, an amino acid with highly similar properties. This amino acid position is conserved. In addition, this alteration is predicted to be tolerated by in silico analysis. Based on the available evidence, the clinical significance of this variant remains unclear.

NM_001987.5(ETV6):c.127A>C (p.Met43Leu)

Gene: ETV6 (ETS variant transcription factor 6; plus strand). Cytogenetic location: 12p13.2.
Variant type: single nucleotide variant.
Coding change: c.127A>C on transcript NM_001987.5 (MANE Select); coding-DNA position 127, A replaced by C.
Protein change: p.Met43Leu; replaces methionine 43 with leucine.
Molecular consequence: missense variant. On other transcripts: intron variant (1).
Genome position (GRCh38, 1-based): chr12:11,752,543, A>C. VCF-style: chr12-11752543-A-C. GRCh37 (hg19) VCF-style: chr12-11905477-A-C.
Other names: c.124A>C, p.Met42Leu (NM_001413913.1); c.100A>C, p.Met34Leu (NM_001413914.1); c.127A>C, p.Met43Leu (NM_001413916.1, NM_001413917.1, NM_001413918.1); c.-101-86597A>C (NM_001413915.1); short protein forms M42L, M43L, M34L.
Identifiers: ClinVar variation 3846474 (VCV003846474.1).
Genomic context (GRCh38, chr12:11,752,543, plus strand): 5'-CCAGTGCCGAGTTACGCTTCCTCGACGCCACTTCATGTTCCAGTGCCTCGAGCGCTCAGG[A>C]TGGAGGAAGACTCGATCCGCCTGCCTGCGCACCTGCGTGAGTGTTCGTGACCCGAGAGGG-3'
Protein context (NP_001978.1, residues 33-53): LHVPVPRALR[Met43Leu]EEDSIRLPAH